The following is an entry in ClinVar:

NM_000271.5(NPC1):c.3294T>C (p.Thr1098=)

Gene: NPC1 (NPC intracellular cholesterol transporter 1; minus strand). Cytogenetic location: 18q11.2.
Variant type: single nucleotide variant.
Coding change: c.3294T>C on transcript NM_000271.5 (MANE Select); coding-DNA position 3294, T replaced by C.
Protein change: p.Thr1098=; no amino-acid change (threonine 1098 retained).
Molecular consequence: synonymous variant.
Genome position (GRCh38, 1-based): chr18:23,535,652, A>G on the plus strand (T>C on the coding strand, the complement: NPC1 is on the minus strand). VCF-style: chr18-23535652-A-G. GRCh37 (hg19) VCF-style: chr18-21115616-A-G.
Identifiers: ClinVar variation 747846 (VCV000747846.11), dbSNP rs780795762, ClinGen allele CA8912803.

ClinVar aggregate classification (germline): Likely benign. Review status: criteria provided, multiple submitters, no conflicts (2 of 4 stars). 2 submissions from 2 submitters: Likely benign (2). Last evaluated 2026-09-07.

Conditions:
NPC1-related disorder. Also called: NPC1-related condition.
Niemann-Pick disease, type C1. Also called: NEUROVISCERAL STORAGE DISEASE WITH VERTICAL SUPRANUCLEAR OPHTHALMOPLEGIA; NIEMANN-PICK DISEASE WITH CHOLESTEROL ESTERIFICATION BLOCK; NIEMANN-PICK DISEASE WITHOUT SPHINGOMYELINASE DEFICIENCY; NIEMANN-PICK DISEASE, CHRONIC NEURONOPATHIC FORM; NIEMANN-PICK DISEASE, VARIANT TYPE C1. Identifiers: Orphanet 646, MedGen C3179455, MONDO:0009757, OMIM 257220.

Allele frequency attached by ClinVar (database versions not stated): ExAC 0.00001; gnomAD 0.00001; gnomAD exomes 0.00002 and 0.00003; TOPMed 0.00002.
gnomAD v4.1: 13 of 1,614,036 alleles (0.00081%); highest among the groups gnomAD compares: Admixed American, 0.02%; no homozygotes.

Submissions (2):

PreventionGenetics, part of Exact Sciences
Classification: Likely benign for NPC1-related condition. Last evaluated: 2026-09-07. Review status: criteria provided, single submitter. Criteria: ACMG Guidelines, 2015. Collection method: clinical testing. Allele origin: germline.
Comment: This variant is classified as likely benign based on ACMG/AMP sequence variant interpretation guidelines (Richards et al. 2015 PMID: 25741868, with internal and published modifications).

Labcorp Genetics (formerly Invitae), Labcorp
Classification: Likely benign for Niemann-Pick disease, type C1. Last evaluated: 2025-11-13. Review status: criteria provided, single submitter. Criteria: Invitae Variant Classification Sherloc (09022015). Collection method: clinical testing. Allele origin: germline.